The following is an entry in ClinVar:

ClinVar aggregate classification (germline): Uncertain significance. Review status: criteria provided, multiple submitters, no conflicts (2 of 4 stars). 2 submissions from 2 submitters: Uncertain significance (2). Last evaluated 2025-06-09.

Conditions:
TTN-related disorder. Also called: TTN-related condition; TTN-related disease; TTN-related disorders.

Allele frequency attached by ClinVar (database versions not stated): gnomAD 0.00001; gnomAD exomes 0.00002 and 0.00003; TOPMed 0.00002; ExAC 0.00003; ESP Exome Variant Server 0.00008.
gnomAD v4.1: 45 of 1,612,574 alleles (0.0028%); highest among the groups gnomAD compares: Non-Finnish European, 0.0035%; no homozygotes.

Submissions (2):

PreventionGenetics, part of Exact Sciences
Classification: Uncertain significance for TTN-related condition. Last evaluated: 2025-06-09. Review status: criteria provided, single submitter. Criteria: ACMG Guidelines, 2015. Collection method: clinical testing. Allele origin: germline.
Comment: The TTN c.76538A>C variant is predicted to result in the amino acid substitution p.Asp25513Ala. To our knowledge, this variant has not been reported in the literature in individuals with TTN-related disorders. This variant is reported in 0.0054% of alleles in individuals of European (Non-Finnish) descent in gnomAD. At this time, the clinical significance of this variant is uncertain due to the absence of conclusive functional and genetic evidence.

Biesecker Lab/Clinical Genomics Section, National Institutes of Health
Classification: Uncertain significance. Last evaluated: 2013-06-24. Review status: criteria provided, single submitter. Criteria: Ng et al. (Circ Cardiovasc Genet. 2013). Collection method: research. Allele origin: unknown. Observed: 1 variant allele. Study: ClinSeq.
Comment: The study set was not selected for affection status in relation to any cancer. Pathogenicity categories were based on literature curation. See Pubmed ID:23861362 for details.

Medical sequencing

NM_001267550.2(TTN):c.76538A>C (p.Asp25513Ala)

Genes: TTN-AS1 (TTN antisense RNA 1; plus strand), TTN (titin; minus strand). Cytogenetic location: 2q31.2.
Variant type: single nucleotide variant.
Coding change: c.76538A>C on transcript NM_001267550.2 (MANE Select); coding-DNA position 76538, A replaced by C.
Protein change: p.Asp25513Ala; replaces aspartic acid 25513 with alanine.
Molecular consequence: missense variant.
Genome position (GRCh38, 1-based): chr2:178,569,594, T>G on the plus strand (A>C on the coding strand, the complement: TTN is on the minus strand). VCF-style: chr2-178569594-T-G. GRCh37 (hg19) VCF-style: chr2-179434321-T-G.
Other names: c.71615A>C, p.Asp23872Ala (NM_001256850.1); c.49343A>C, p.Asp16448Ala (NM_003319.4); c.68834A>C, p.Asp22945Ala (NM_133378.4); c.49718A>C, p.Asp16573Ala (NM_133432.3); c.49919A>C, p.Asp16640Ala (NM_133437.4); short protein forms D22945A, D25513A, D16573A, D16640A, D16448A, D23872A.
Identifiers: ClinVar variation 191892 (VCV000191892.2), dbSNP rs200154082, ClinGen allele CA237797.